The following is an entry in ClinVar:

NM_018023.5(YEATS2):c.2460_2477dup (p.Gly827_Gly828insSerThrGlyGlyGlyGly)

Gene: YEATS2 (YEATS domain containing 2; plus strand). Cytogenetic location: 3q27.1.
Variant type: Duplication.
Coding change: c.2460_2477dup on transcript NM_018023.5 (MANE Select); coding-DNA positions 2460 to 2477, 18 bases duplicated (CGGCAGCACAGGAGGAGG).
Protein change: p.Gly827_Gly828insSerThrGlyGlyGlyGly.
Genome position (GRCh38, 1-based): chr3:183,776,006-183,776,023, CGGCAGCACAGGAGGAGG duplicated; duplicating any 18 consecutive bases within chr3:183,776,001-183,776,023 gives the same sequence; the c. name uses the placement nearest the transcript's 3' end. VCF-style (leftmost placement, unchanged base first): chr3-183776000-T-TGGAGGCGGCAGCACAGGA. GRCh37 (hg19) VCF-style: chr3-183493788-T-TGGAGGCGGCAGCACAGGA.
Other names: c.2460_2477dup, p.Gly827_Gly828insSerThrGlyGlyGlyGly (NM_001351369.2, NM_001351371.2); c.2463_2480dup, p.Gly828_Gly829insSerThrGlyGlyGlyGly (NM_001351370.2).
Identifiers: ClinVar variation 3045243 (VCV003045243.2), dbSNP rs779981836, ClinGen allele CA2722568.

ClinVar aggregate classification (germline): Likely benign (0 of 4 stars; one submission).

Conditions:
YEATS2-related disorder. Also called: YEATS2-related condition.

Submission:

PreventionGenetics, part of Exact Sciences
Classification: Likely benign for YEATS2-related condition. Last evaluated: 2022-06-21. Review status: no assertion criteria provided. Collection method: clinical testing. Allele origin: germline.
Comment: This variant is classified as likely benign based on ACMG/AMP sequence variant interpretation guidelines (Richards et al. 2015 PMID: 25741868, with internal and published modifications).